The following is an entry in ClinVar:

ClinVar aggregate classification (germline): Uncertain significance (1 of 4 stars; one submission).

gnomAD v4.1: 1 of 1,467,564 alleles (0.000068%); highest among the groups gnomAD compares: Non-Finnish European, 0.00009%; no homozygotes.

Submission:

Labcorp Genetics (formerly Invitae), Labcorp
Classification: Uncertain significance. Last evaluated: 2023-12-13. Review status: criteria provided, single submitter. Criteria: Invitae Variant Classification Sherloc (09022015). Collection method: clinical testing. Allele origin: germline.
Comment: This sequence change replaces arginine, which is basic and polar, with proline, which is neutral and non-polar, at codon 4 of the COL4A1 protein (p.Arg4Pro). This variant is not present in population databases (gnomAD no frequency). This variant has not been reported in the literature in individuals affected with COL4A1-related conditions. Advanced modeling of protein sequence and biophysical properties (such as structural, functional, and spatial information, amino acid conservation, physicochemical variation, residue mobility, and thermodynamic stability) performed at Invitae indicates that this missense variant is not expected to disrupt COL4A1 protein function with a negative predictive value of 95%. In summary, the available evidence is currently insufficient to determine the role of this variant in disease. Therefore, it has been classified as a Variant of Uncertain Significance.

NM_001845.6(COL4A1):c.11G>C (p.Arg4Pro)

Gene: COL4A1 (collagen type IV alpha 1 chain; minus strand). Cytogenetic location: 13q34.
Variant type: single nucleotide variant.
Coding change: c.11G>C on transcript NM_001845.6 (MANE Select); coding-DNA position 11, G replaced by C.
Protein change: p.Arg4Pro; replaces arginine 4 with proline.
Molecular consequence: missense variant.
Genome position (GRCh38, 1-based): chr13:110,307,017, C>G on the plus strand (G>C on the coding strand, the complement: COL4A1 is on the minus strand). VCF-style: chr13-110307017-C-G. GRCh37 (hg19) VCF-style: chr13-110959364-C-G.
Other names: c.11G>C, p.Arg4Pro (NM_001303110.2); short protein forms R4P.
Identifiers: ClinVar variation 2996897 (VCV002996897.3), dbSNP rs2501838963, ClinGen allele CA388732759.